The following is an entry in ClinVar:

ClinVar aggregate classification (germline): Uncertain significance (1 of 4 stars; one submission).

Conditions:
Cardiovascular phenotype. Identifiers: MedGen CN230736.

Submission:

Ambry Genetics
Classification: Uncertain significance for Cardiovascular phenotype. Last evaluated: 2022-12-24. Review status: criteria provided, single submitter. Criteria: Ambry Variant Classification Scheme 2023. Collection method: clinical testing. Allele origin: germline.
Comment: The p.R568P variant (also known as c.1703G>C), located in coding exon 6 of the KCND3 gene, results from a G to C substitution at nucleotide position 1703. The arginine at codon 568 is replaced by proline, an amino acid with dissimilar properties. This amino acid position is conserved. In addition, this alteration is predicted to be deleterious by in silico analysis. Since supporting evidence is limited at this time, the clinical significance of this alteration remains unclear.

NM_001378969.1(KCND3):c.1703G>C (p.Arg568Pro)

Gene: KCND3 (potassium voltage-gated channel subfamily D member 3; minus strand). Cytogenetic location: 1p13.2.
Variant type: single nucleotide variant.
Coding change: c.1703G>C on transcript NM_001378969.1 (MANE Select); coding-DNA position 1703, G replaced by C.
Protein change: p.Arg568Pro; replaces arginine 568 with proline.
Molecular consequence: missense variant.
Genome position (GRCh38, 1-based): chr1:111,777,089, C>G on the plus strand (G>C on the coding strand, the complement: KCND3 is on the minus strand). VCF-style: chr1-111777089-C-G. GRCh37 (hg19) VCF-style: chr1-112319711-C-G.
Other names: c.1646G>C, p.Arg549Pro (NM_001378970.1, NM_172198.3); c.1703G>C, p.Arg568Pro (NM_004980.5); short protein forms R549P, R568P.
Identifiers: ClinVar variation 3224547 (VCV003224547.1), dbSNP rs200212002, ClinGen allele CA341656692.
Genomic context (GRCh38, chr1:111,777,089, plus strand): 5'-GTTGTGAGGGAGGGCTGCTCACTGCCCTGGATGTGGATCGTGCTGAGCTCTTGCATGCTG[C>G]GCAGGCGAGTAGCTGGCAGGTTAGAATTGGGCAGGTGTGTGGTCTTCTTACTACGACGGG-3'
Protein context (NP_001365898.1, residues 558-578): PNSNLPATRL[Arg568Pro]SMQELSTIHI